The following is an entry in ClinVar:

ClinVar aggregate classification (germline): Uncertain significance (1 of 4 stars; one submission).

Conditions:
Short-rib thoracic dysplasia 11 with or without polydactyly (SRTD11). Also called: SHORT-RIB THORACIC DYSPLASIA 11 WITHOUT POLYDACTYLY. Identifiers: Orphanet 474, Orphanet 93271, MedGen C3810200, MONDO:0014287, OMIM 615633.

Allele frequency attached by ClinVar (database versions not stated): gnomAD 0.00001; TOPMed 0.00002.

Submission:

Labcorp Genetics (formerly Invitae), Labcorp
Classification: Uncertain significance for Short-rib thoracic dysplasia 11 with or without polydactyly. Last evaluated: 2022-08-17. Review status: criteria provided, single submitter. Criteria: Invitae Variant Classification Sherloc (09022015). Collection method: clinical testing. Allele origin: germline.
Comment: This sequence change replaces proline, which is neutral and non-polar, with arginine, which is basic and polar, at codon 390 of the WDR34 protein (p.Pro390Arg). This variant is not present in population databases (gnomAD no frequency). This variant has not been reported in the literature in individuals affected with WDR34-related conditions. Algorithms developed to predict the effect of missense changes on protein structure and function (SIFT, PolyPhen-2, Align-GVGD) all suggest that this variant is likely to be disruptive. In summary, the available evidence is currently insufficient to determine the role of this variant in disease. Therefore, it has been classified as a Variant of Uncertain Significance.

NM_052844.4(DYNC2I2):c.1169C>G (p.Pro390Arg)

Genes: DYNC2I2 (dynein 2 intermediate chain 2; minus strand), LOC126860772 (CDK7 strongly-dependent group 2 enhancer GRCh37_chr9:131396972-131398171; plus strand). Cytogenetic location: 9q34.11.
Variant type: single nucleotide variant.
Coding change: c.1169C>G on transcript NM_052844.4 (MANE Select); coding-DNA position 1169, C replaced by G.
Protein change: p.Pro390Arg; replaces proline 390 with arginine.
Molecular consequence: missense variant.
Genome position (GRCh38, 1-based): chr9:128,634,734, G>C on the plus strand (C>G on the coding strand, the complement: DYNC2I2 is on the minus strand). VCF-style: chr9-128634734-G-C. GRCh37 (hg19) VCF-style: chr9-131397013-G-C.
Other names: short protein forms P390R.
Identifiers: ClinVar variation 2418432 (VCV002418432.2), dbSNP rs999307682, ClinGen allele CA200418338.